The following is an entry in ClinVar:

NM_001113378.2(FANCI):c.1739A>G (p.Asn580Ser)

Gene: FANCI (FA complementation group I; plus strand). Cytogenetic location: 15q26.1.
Variant type: single nucleotide variant.
Coding change: c.1739A>G on transcript NM_001113378.2 (MANE Select); coding-DNA position 1739, A replaced by G.
Protein change: p.Asn580Ser; replaces asparagine 580 with serine.
Molecular consequence: missense variant.
Genome position (GRCh38, 1-based): chr15:89,285,136, A>G. VCF-style: chr15-89285136-A-G. GRCh37 (hg19) VCF-style: chr15-89828367-A-G.
Other names: c.1460A>G, p.Asn487Ser (NM_001376910.1); c.1739A>G, p.Asn580Ser (NM_001376911.1, NM_018193.3); short protein forms N580S, N487S.
Identifiers: ClinVar variation 571958 (VCV000571958.9), dbSNP rs866290050, ClinGen allele CA274567210.

ClinVar aggregate classification (germline): Uncertain significance. Review status: criteria provided, multiple submitters, no conflicts (2 of 4 stars). 3 submissions from 3 submitters: Uncertain significance (3). Last evaluated 2024-09-18.

Conditions:
Fanconi anemia (FA). Also called: Fanconi's anemia. Identifiers: Orphanet 84, MedGen C0015625, MeSH D005199, MONDO:0019391.
Fanconi anemia complementation group I (FANCI). Also called: FANCI-Related Fanconi Anemia. Identifiers: Orphanet 84, MedGen C1836861, MONDO:0012186, OMIM 609053.

Allele frequency attached by ClinVar (database versions not stated): gnomAD exomes below 0.00001 and 0.00001; gnomAD 0.00003 and 0.00004; TOPMed 0.00003.
gnomAD v4.1: 23 of 1,614,084 alleles (0.0014%); highest among the groups gnomAD compares: Middle Eastern, 0.049%; no homozygotes.

Submissions (3):

Labcorp Genetics (formerly Invitae), Labcorp
Classification: Uncertain significance for Fanconi anemia. Last evaluated: 2024-09-18. Review status: criteria provided, single submitter. Criteria: Invitae Variant Classification Sherloc (09022015). Collection method: clinical testing. Allele origin: germline.
Comment: This sequence change replaces asparagine, which is neutral and polar, with serine, which is neutral and polar, at codon 580 of the FANCI protein (p.Asn580Ser). This variant is present in population databases (no rsID available, gnomAD 0.003%). This variant has not been reported in the literature in individuals affected with FANCI-related conditions. ClinVar contains an entry for this variant (Variation ID: 571958). Invitae Evidence Modeling of protein sequence and biophysical properties (such as structural, functional, and spatial information, amino acid conservation, physicochemical variation, residue mobility, and thermodynamic stability) indicates that this missense variant is expected to disrupt FANCI protein function with a positive predictive value of 80%. In summary, the available evidence is currently insufficient to determine the role of this variant in disease. Therefore, it has been classified as a Variant of Uncertain Significance.

Fulgent Genetics
Classification: Uncertain significance for Fanconi anemia complementation group I. Last evaluated: 2024-01-02. Review status: criteria provided, single submitter. Criteria: ACMG Guidelines, 2015. Collection method: clinical testing. Allele origin: germline.

Breakthrough Genomics
Classification: Uncertain significance. Review status: criteria provided, single submitter. Criteria: ACMG Guidelines, 2015. Collection method: not provided. Allele origin: germline. Inheritance: Autosomal recessive inheritance. Affected: yes.